The following is an entry in ClinVar:

NM_000548.5(TSC2):c.1540G>C (p.Asp514His)

Gene: TSC2 (TSC complex subunit 2; plus strand). Cytogenetic location: 16p13.3.
Variant type: single nucleotide variant.
Coding change: c.1540G>C on transcript NM_000548.5 (MANE Select); coding-DNA position 1540, G replaced by C.
Protein change: p.Asp514His; replaces aspartic acid 514 with histidine.
Molecular consequence: missense variant. On other transcripts: 5 prime UTR variant (1), non-coding transcript variant (5).
Genome position (GRCh38, 1-based): chr16:2,064,368, G>C. VCF-style: chr16-2064368-G-C. GRCh37 (hg19) VCF-style: chr16-2114369-G-C.
Other names: c.1540G>C, p.Asp514His (NM_001406663.1, NM_001406664.1, NM_001406665.1 and 6 more transcripts); c.1630G>C, p.Asp544His (NM_001406667.1, NM_001406668.1); c.1429G>C, p.Asp477His (NM_001406670.1, NM_001318827.2, NM_001406678.1); c.1528G>C, p.Asp510His (NM_001406671.1, NM_001406673.1); c.1393G>C, p.Asp465His (NM_001406675.1, NM_001406676.1, NM_001318829.2 and 1 more transcripts); c.196G>C, p.Asp66His (NM_001406696.1, NM_001406697.1, NM_001406689.1 and 6 more transcripts); c.-63G>C (NM_001406698.1); c.940G>C, p.Asp314His (NM_001406688.1, NM_001318831.2, NM_001406680.1 and 6 more transcripts); and 3 more; short protein forms D314H, D495H, D66H, D514H, D544H, D477H, D360H, D465H.
Identifiers: ClinVar variation 3668084 (VCV003668084.2).

ClinVar aggregate classification (germline): Uncertain significance (1 of 4 stars; one submission).

Conditions:
Tuberous sclerosis 2 (TSC2). Identifiers: Orphanet 805, MedGen C1860707, MONDO:0013199, OMIM 613254.

Submission:

Labcorp Genetics (formerly Invitae), Labcorp
Classification: Uncertain significance for Tuberous sclerosis 2. Last evaluated: 2025-07-31. Review status: criteria provided, single submitter. Criteria: Invitae Variant Classification Sherloc (09022015). Collection method: clinical testing. Allele origin: germline.
Comment: This sequence change replaces aspartic acid, which is acidic and polar, with histidine, which is basic and polar, at codon 514 of the TSC2 protein (p.Asp514His). This variant is not present in population databases (gnomAD no frequency). This variant has not been reported in the literature in individuals affected with TSC2-related conditions. ClinVar contains an entry for this variant (Variation ID: 3668084). Invitae Evidence Modeling of protein sequence and biophysical properties (such as structural, functional, and spatial information, amino acid conservation, physicochemical variation, residue mobility, and thermodynamic stability) indicates that this missense variant is not expected to disrupt TSC2 protein function with a negative predictive value of 95%. In summary, the available evidence is currently insufficient to determine the role of this variant in disease. Therefore, it has been classified as a Variant of Uncertain Significance.